The following is an entry in ClinVar:

ClinVar aggregate classification (germline): Likely benign (1 of 4 stars; one submission).

gnomAD v4.1: 2 of 1,570,082 alleles (0.00013%); highest among the groups gnomAD compares: Admixed American, 0.0017%; no homozygotes.

Submission:

GeneDx
Classification: Likely benign. Last evaluated: 2018-03-01. Review status: criteria provided, single submitter. Criteria: GeneDx Variant Classification (06012015). Collection method: clinical testing. Allele origin: germline. Affected: yes.
Comment: This variant is considered likely benign or benign based on one or more of the following criteria: it is a conservative change, it occurs at a poorly conserved position in the protein, it is predicted to be benign by multiple in silico algorithms, and/or has population frequency not consistent with disease.

NM_000942.5(PPIB):c.-25G>A

Gene: PPIB (peptidylprolyl isomerase B; minus strand). Cytogenetic location: 15q22.31.
Variant type: single nucleotide variant.
Coding change: c.-25G>A on transcript NM_000942.5 (MANE Select); 25 bases upstream of the start codon, G replaced by A.
Molecular consequence: 5 prime UTR variant.
Genome position (GRCh38, 1-based): chr15:64,163,011, C>T on the plus strand (G>A on the coding strand, the complement: PPIB is on the minus strand). VCF-style: chr15-64163011-C-T. GRCh37 (hg19) VCF-style: chr15-64455210-C-T.
Identifiers: ClinVar variation 515889 (VCV000515889.1), dbSNP rs772067068, ClinGen allele CA658798391.
Genomic context (GRCh38, chr15:64,163,011, plus strand): 5'-GAGCACCTTCATGTTGCGTTCGGAGAGGCGCAGCATCCACAGGCGGAGGCGAAAGCAGCC[C>T]GGACAGCTGAGGCCGGAAGAGGGTGGGGCCGCGGTGGCTAGGGAGCCGGCGCCGCCACGC-3'